The following is an entry in ClinVar:

NM_000184.3(HBG2):c.429C>T (p.Ser143=)

Gene: HBG2 (hemoglobin subunit gamma 2; minus strand). Cytogenetic location: 11p15.4.
Variant type: single nucleotide variant.
Coding change: c.429C>T on transcript NM_000184.3 (MANE Select); coding-DNA position 429, C replaced by T.
Protein change: p.Ser143=; no amino-acid change (serine 143 retained).
Molecular consequence: synonymous variant.
Genome position (GRCh38, 1-based): chr11:5,253,292, G>A on the plus strand (C>T on the coding strand, the complement: HBG2 is on the minus strand). VCF-style: chr11-5253292-G-A. GRCh37 (hg19) VCF-style: chr11-5274522-G-A.
Identifiers: ClinVar variation 3770706 (VCV003770706.13).

ClinVar aggregate classification (germline): Likely benign (1 of 4 stars; one submission).

gnomAD v4.1: 2,185 of 1,614,070 alleles (0.14%); highest among the groups gnomAD compares: Non-Finnish European, 0.18%; 3 homozygotes.

Submission:

CeGaT Center for Human Genetics Tuebingen
Classification: Likely benign. Last evaluated: 2025-01-01. Review status: criteria provided, single submitter. Criteria: CeGaT Center For Human Genetics Tuebingen Variant Classification Criteria Version 2. Collection method: clinical testing. Allele origin: germline. Affected: yes. Observed: 1 variant allele.
Comment: HBG2: BP4, BP7